The following is an entry in ClinVar:

ClinVar aggregate classification (germline): Conflicting classifications of pathogenicity. Review status: criteria provided, conflicting classifications (1 of 4 stars). 2 submissions from 2 submitters: Uncertain significance (1); Likely benign (1). Last evaluated 2026-07-23.

Conditions:
POLD1-related polyposis and colorectal cancer syndrome (CRCS10). Also called: COLORECTAL CANCER, SUSCEPTIBILITY TO, ON CHROMOSOME 19q; Colorectal cancer, susceptibility to, 10; Colorectal cancer 10. Identifiers: Orphanet 220460, MedGen C2675481, MONDO:0012953, OMIM 612591.
Hereditary cancer-predisposing syndrome. Also called: Neoplastic Syndromes, Hereditary; Hereditary neoplastic syndrome; Hereditary Cancer Syndrome; Tumor predisposition. Identifiers: Orphanet 140162, MedGen C0027672, MeSH D009386, MONDO:0015356.

Allele frequency attached by ClinVar (database versions not stated): gnomAD exomes below 0.00001.
gnomAD v4.1: 1 of 1,540,272 alleles (0.000065%); highest among the groups gnomAD compares: Non-Finnish European, 0.000087%; no homozygotes.

Submissions (2):

Ambry Genetics
Classification: Likely benign for Hereditary cancer-predisposing syndrome. Last evaluated: 2026-07-23. Review status: criteria provided, single submitter. Criteria: Ambry Variant Classification Scheme 2023. Collection method: clinical testing. Allele origin: germline.

Labcorp Genetics (formerly Invitae), Labcorp
Classification: Uncertain significance for POLD1-related polyposis and colorectal cancer syndrome. Last evaluated: 2025-04-02. Review status: criteria provided, single submitter. Criteria: Invitae Variant Classification Sherloc (09022015). Collection method: clinical testing. Allele origin: germline.
Comment: This sequence change replaces threonine, which is neutral and polar, with isoleucine, which is neutral and non-polar, at codon 1017 of the POLD1 protein (p.Thr1017Ile). This variant is not present in population databases (gnomAD no frequency). This variant has not been reported in the literature in individuals affected with POLD1-related conditions. ClinVar contains an entry for this variant (Variation ID: 469323). Invitae Evidence Modeling of protein sequence and biophysical properties (such as structural, functional, and spatial information, amino acid conservation, physicochemical variation, residue mobility, and thermodynamic stability) indicates that this missense variant is not expected to disrupt POLD1 protein function with a negative predictive value of 80%. In summary, the available evidence is currently insufficient to determine the role of this variant in disease. Therefore, it has been classified as a Variant of Uncertain Significance.

NM_002691.4(POLD1):c.3050C>T (p.Thr1017Ile)

Gene: POLD1 (DNA polymerase delta 1, catalytic subunit; plus strand). Cytogenetic location: 19q13.33.
Variant type: single nucleotide variant.
Coding change: c.3050C>T on transcript NM_002691.4 (MANE Select); coding-DNA position 3050, C replaced by T.
Protein change: p.Thr1017Ile; replaces threonine 1017 with isoleucine.
Molecular consequence: missense variant. On other transcripts: non-coding transcript variant (1).
Genome position (GRCh38, 1-based): chr19:50,416,706, C>T. VCF-style: chr19-50416706-C-T. GRCh37 (hg19) VCF-style: chr19-50919963-C-T.
Other names: c.3050C>T (NM_002691.2); c.3050C>T, p.Thr1017Ile (NM_001256849.1); c.3128C>T, p.Thr1043Ile (NM_001308632.1); short protein forms T1043I, T1017I.
Identifiers: ClinVar variation 469323 (VCV000469323.9), dbSNP rs1555793499, ClinGen allele CA406986999.